The following is an entry in ClinVar:

NM_000426.4(LAMA2):c.5476C>T (p.Arg1826Ter)

Gene: LAMA2 (laminin subunit alpha 2; plus strand). Cytogenetic location: 6q22.33.
Variant type: single nucleotide variant.
Coding change: c.5476C>T on transcript NM_000426.4 (MANE Select); coding-DNA position 5476, C replaced by T.
Protein change: p.Arg1826Ter; replaces arginine 1826 with a stop codon.
Molecular consequence: nonsense.
Genome position (GRCh38, 1-based): chr6:129,401,254, C>T. VCF-style: chr6-129401254-C-T. GRCh37 (hg19) VCF-style: chr6-129722399-C-T.
Other names: c.5476C>T, p.Arg1826Ter (NM_001079823.2); short protein forms R1826*.
Identifiers: ClinVar variation 265426 (VCV000265426.43), dbSNP rs747349942, ClinGen allele CA3993894.

ClinVar aggregate classification (germline): Pathogenic/Likely pathogenic. Review status: criteria provided, multiple submitters, no conflicts (2 of 4 stars). 16 submissions from 15 submitters: Pathogenic (14); Likely pathogenic (1). 1 of the submissions does not count toward it. Last evaluated 2025-12-16.

Conditions:
Muscular dystrophy, limb-girdle, autosomal recessive 23. Identifiers: Orphanet 565837, MedGen C4748327, MONDO:0029136, OMIM 618138.
Merosin deficient congenital muscular dystrophy (MDC1A). Also called: Congenital Muscular Dystrophy Type 1A (MDC1A); Congenital merosin-deficient muscular dystrophy 1A. Identifiers: Orphanet 258, MedGen C1263858, MONDO:0011925, OMIM 607855.
LAMA2-related disorder. Also called: LAMA2-related disorders; LAMA2-related condition.
Inborn genetic diseases. Identifiers: MedGen C0950123, MeSH D030342.
LAMA2-related muscular dystrophy (LAMA2-RD). Also called: Laminin alpha 2-related dystrophy. Identifiers: MedGen C5679788, MONDO:0100228.

Allele frequency attached by ClinVar (database versions not stated): ExAC 0.00001; gnomAD 0.00003; gnomAD exomes 0.00003; TOPMed 0.00005.
gnomAD v4.1: 95 of 1,611,364 alleles (0.0059%); highest among the groups gnomAD compares: South Asian, 0.0088%; no homozygotes.

Submissions (16):

Labcorp Genetics (formerly Invitae), Labcorp
Classification: Pathogenic for LAMA2-related muscular dystrophy. Last evaluated: 2025-12-16. Review status: criteria provided, single submitter. Criteria: Invitae Variant Classification Sherloc (09022015). Collection method: clinical testing. Allele origin: germline.
Comment: This sequence change creates a premature translational stop signal (p.Arg1826*) in the LAMA2 gene. It is expected to result in an absent or disrupted protein product. Loss-of-function variants in LAMA2 are known to be pathogenic (PMID: 18700894, 32904964). This variant is present in population databases (rs747349942, gnomAD 0.01%). This premature translational stop signal has been observed in individuals with limb-girdle muscular dystrophy (PMID: 9829280, 20207543, 24611677, 25214167). This variant is also known as c.5525C>T. ClinVar contains an entry for this variant (Variation ID: 265426). For these reasons, this variant has been classified as Pathogenic.

Ambry Genetics
Classification: Pathogenic for Inborn genetic diseases. Last evaluated: 2024-07-29. Review status: criteria provided, single submitter. Criteria: Ambry Variant Classification Scheme 2023. Collection method: clinical testing. Allele origin: germline.
Comment: The c.5476C>T (p.R1826*) alteration, located in exon 38 (coding exon 38) of the LAMA2 gene, consists of a C to T substitution at nucleotide position 5476. This changes the amino acid from an arginine (R) to a stop codon at amino acid position 1826. This alteration is expected to result in loss of function by premature protein truncation or nonsense-mediated mRNA decay. Based on data from gnomAD, the T allele has an overall frequency of 0.003% (7/251122) total alleles studied. The highest observed frequency was 0.011% (2/18386) of East Asian alleles. This mutation has been detected in the compound heterozygous state and confirmed in trans with a second LAMA2 alteration in several unrelated patients with congenital muscular dystrophy (Naom, 1998; Geranmayeh, 2010; Savarese, 2014; Xiong, 2015; Cauley, 2020; Tan, 2021; Huang, 2023). Based on the available evidence, this alteration is classified as pathogenic.

Women's Health and Genetics/Laboratory Corporation of America, LabCorp
Classification: Pathogenic for LAMA2-related muscular dystrophy. Last evaluated: 2024-07-19. Review status: criteria provided, single submitter. Criteria: LabCorp Variant Classification Summary - May 2015. Collection method: clinical testing. Allele origin: germline.
Comment: Variant summary: LAMA2 c.5476C>T (p.Arg1826X) results in a premature termination codon, predicted to cause a truncation of the encoded protein or absence of the protein due to nonsense mediated decay, which are commonly known mechanisms for disease. The variant allele was found at a frequency of 2.8e-05 in 251122 control chromosomes. c.5476C>T has been reported in the literature in the presumed compound heterozygous state in at least 1 individual affected with Laminin Alpha 2-Related Dystrophy (example, Tan_2021). To our knowledge, no experimental evidence demonstrating an impact on protein function has been reported. The following publication has been ascertained in the context of this evaluation (PMID: 34702656). ClinVar contains an entry for this variant (Variation ID: 265426). Based on the evidence outlined above, the variant was classified as pathogenic.

Baylor Genetics
Classification: Pathogenic for Merosin deficient congenital muscular dystrophy. Last evaluated: 2024-03-30. Review status: criteria provided, single submitter. Criteria: ACMG Guidelines, 2015. Collection method: clinical testing. Allele origin: unknown.

Fulgent Genetics
Classification: Pathogenic for Merosin deficient congenital muscular dystrophy; Muscular dystrophy, limb-girdle, autosomal recessive 23. Last evaluated: 2024-01-23. Review status: criteria provided, single submitter. Criteria: ACMG Guidelines, 2015. Collection method: clinical testing. Allele origin: germline.

Revvity Omics, Revvity
Classification: Pathogenic. Last evaluated: 2023-07-11. Review status: criteria provided, single submitter. Criteria: ACMG Guidelines, 2015. Collection method: clinical testing. Allele origin: germline.

GeneDx
Classification: Pathogenic. Last evaluated: 2022-06-16. Review status: criteria provided, single submitter. Criteria: GeneDx Variant Classification Process June 2021. Collection method: clinical testing. Allele origin: germline. Affected: yes.
Comment: Previously reported multiple times in association with congenital muscular dystrophy (Geranmayeh et al., 2010; Xiong et al., 2015); Nonsense variant predicted to result in protein truncation or nonsense mediated decay in a gene for which loss-of-function is a known mechanism of disease; Not observed at significant frequency in large population cohorts (gnomAD); This variant is associated with the following publications: (PMID: 25525159, 24611677, 9829280, 25214167, 30055037, 20207543, 32936536)

Blueprint Genetics
Classification: Pathogenic for LAMA2-related disorders. Last evaluated: 2021-12-07. Review status: criteria provided, single submitter. Criteria: ACMG Guidelines, 2015. Collection method: clinical testing. Allele origin: germline. Affected: yes. Observed: 5 variant alleles.

Genetics and Genomic Medicine Centre, NeuroGen Healthcare, NeuroGen Healthcare
Classification: Pathogenic for Merosin deficient congenital muscular dystrophy. Last evaluated: 2021-10-31. Review status: criteria provided, single submitter. Criteria: Submitter's publication. Collection method: clinical testing. Allele origin: unknown. Affected: no.

Victorian Clinical Genetics Services, Murdoch Childrens Research Institute
Classification: Pathogenic for LAMA2-related muscular dystrophy. Last evaluated: 2020-05-21. Review status: criteria provided, single submitter. Criteria: ACMG Guidelines, 2015. Collection method: clinical testing. Allele origin: germline. Inheritance: Autosomal recessive inheritance. Affected: yes.
Comment: Based on the classification scheme VCGS_Germline_v1.1.1, this variant is classified as Pathogenic. Following criteria are met: 0102 - Loss-of-function is a known mechanism of disease for this gene. (N) 0106 - This gene is known to be associated with autosomal recessive disease. (N) 0201 - Variant is predicted to cause nonsense-mediated decay (NMD) and loss of protein (exon 38 of 65). (P) 0251 - Variant is heterozygous. (N) 0304 - Variant is present in gnomAD <0.01 for a recessive condition (7 heterozygotes, 0 homozygotes). (P) 0701 - Comparable variants have very strong previous evidence for pathogenicity. Multiple variants predicted to result in NMD have been reported pathogenic (ClinVar, Decipher). (P) 0801 - Strong previous evidence of pathogenicity in unrelated individuals. This variant is one of the most frequently reported in patients with LAMA2-related muscular dystrophy (PMID: 30055037; ClinVar; LOVD). (P) 1208 - Inheritance information for this variant is not currently available. (N) Legend: (P) - Pathogenic, (N) - Neutral, (B) - Benign

Centre for Mendelian Genomics, University Medical Centre Ljubljana
Classification: Likely pathogenic for Merosin deficient congenital muscular dystrophy. Last evaluated: 2016-01-01. Review status: criteria provided, single submitter. Criteria: ACMG Guidelines, 2015. Collection method: clinical testing. Allele origin: unknown. Affected: yes.
Comment: This variant was classified as: Likely pathogenic. The following ACMG criteria were applied in classifying this variant: PS1,PM2,PP2.

Juno Genomics, Hangzhou Juno Genomics, Inc
Classification: Pathogenic for Merosin deficient congenital muscular dystrophy; Muscular dystrophy, limb-girdle, autosomal recessive 23. Review status: criteria provided, single submitter. Criteria: ACMG Guidelines, 2015. Collection method: clinical testing. Allele origin: germline.
Comment: Absent from controls (or at extremely low frequency if recessive) in Genome Aggregation Database.;Null variant in a gene where loss of function (LOF) is a known mechanism of disease.;For recessive disorders, detected in trans with a pathogenic variant.

Neuberg Centre For Genomic Medicine, NCGM
Classification: Pathogenic for Merosin deficient congenital muscular dystrophy. Review status: criteria provided, single submitter. Criteria: ACMG Guidelines, 2015. Collection method: clinical testing. Allele origin: germline. Inheritance: Autosomal recessive inheritance. Affected: yes.

Neuberg Centre For Genomic Medicine, NCGM
Classification: Pathogenic for Muscular dystrophy, limb-girdle, autosomal recessive 23. Review status: criteria provided, single submitter. Criteria: ACMG Guidelines, 2015. Collection method: clinical testing. Allele origin: germline. Inheritance: Autosomal dominant inheritance. Affected: yes.
Comment: The stop-gained variant c.5476C>Tp.Arg1826Ter in the LAMA2 gene has been reported in the heterozygous and compound heterozygous state in individuals affected with Congenital muscular dystrophy Xiong et al., 2015; Savarese et al., 2014. This variant is reported with the allele frequency 0.002% in the gnomAD Exomes and novel not in any individuals in 1000 Genomes. It has been submitted to ClinVar as Likely Pathogenic/ Pathogenic. This variant is predicted to cause loss of normal protein function through protein truncation. Loss of function variants has been previously reported to be disease causing. For these reasons, this variant has been classified as Pathogenic.

Pars Genome Lab
Classification: Pathogenic for Muscular dystrophy, limb-girdle, autosomal recessive 23. Review status: criteria provided, single submitter. Criteria: ACMG Guidelines, 2015. Collection method: clinical testing. Allele origin: germline. Inheritance: Autosomal recessive inheritance. Affected: yes. Observed: 1 homozygote.

Counsyl
Classification: Pathogenic for Merosin deficient congenital muscular dystrophy. Last evaluated: 2017-04-26. Review status: no assertion criteria provided. Collection method: clinical testing. Allele origin: unknown. Not counted in ClinVar's aggregate classification.

Literature cited by the submitters: PubMed 18700894 (cited by Labcorp Genetics (formerly Invitae), Labcorp); PubMed 32904964 (cited by Labcorp Genetics (formerly Invitae), Labcorp); PubMed 9829280 (cited by Labcorp Genetics (formerly Invitae), Labcorp and Ambry Genetics); PubMed 20207543 (cited by 3 submitters); PubMed 24611677 (cited by 3 submitters); PubMed 25214167 (cited by Labcorp Genetics (formerly Invitae), Labcorp and Ambry Genetics); PubMed 32936536 (cited by Ambry Genetics); PubMed 34702656 (cited by Ambry Genetics and Women's Health and Genetics/Laboratory Corporation of America, LabCorp); PubMed 37206914 (cited by Ambry Genetics); PubMed 30055037 (cited by Victorian Clinical Genetics Services, Murdoch Childrens Research Institute); PubMed 25525159 (cited by Counsyl).